The following is an entry in ClinVar:

ClinVar aggregate classification (germline): Uncertain significance (1 of 4 stars; one submission).

Conditions:
Cardiovascular phenotype. Identifiers: MedGen CN230736.

Submission:

Ambry Genetics
Classification: Uncertain significance for Cardiovascular phenotype. Last evaluated: 2025-06-01. Review status: criteria provided, single submitter. Criteria: Ambry Variant Classification Scheme 2023. Collection method: clinical testing. Allele origin: germline.
Comment: The p.L270M variant (also known as c.808C>A), located in coding exon 4 of the JUP gene, results from a C to A substitution at nucleotide position 808. The leucine at codon 270 is replaced by methionine, an amino acid with highly similar properties. This amino acid position is conserved. In addition, the in silico prediction for this alteration is inconclusive. Based on the available evidence, the clinical significance of this variant remains unclear.

NM_002230.4(JUP):c.808C>A (p.Leu270Met)

Gene: JUP (junction plakoglobin; minus strand). Cytogenetic location: 17q21.2.
Variant type: single nucleotide variant.
Coding change: c.808C>A on transcript NM_002230.4 (MANE Select); coding-DNA position 808, C replaced by A.
Protein change: p.Leu270Met; replaces leucine 270 with methionine.
Molecular consequence: missense variant.
Genome position (GRCh38, 1-based): chr17:41,767,480, G>T on the plus strand (C>A on the coding strand, the complement: JUP is on the minus strand). VCF-style: chr17-41767480-G-T. GRCh37 (hg19) VCF-style: chr17-39923732-G-T.
Other names: c.808C>A, p.Leu270Met (NM_001352773.2, NM_001352774.2, NM_001352775.2 and 3 more transcripts); short protein forms L270M.
Identifiers: ClinVar variation 4040993 (VCV004040993.1).
Genomic context (GRCh38, chr17:41,767,480, plus strand): 5'-CGGTGGTGATGGCCAGGAACTTGGGGTTGTTCTTGTTGAGCAGGGGCACCATCTTTTGCA[G>T]CCCGTCGGCCAGGCGCACGGCCATCTTGGCGCCCTCCTGGTACAGGAGCAGGTTGTGCAG-3'
Protein context (NP_002221.1, residues 260-280): AKMAVRLADG[Leu270Met]QKMVPLLNKN